The following is an entry in ClinVar:

NM_003072.5(SMARCA4):c.4912-161G>A

Gene: SMARCA4 (SWI/SNF related BAF chromatin remodeling complex subunit ATPase 4; plus strand). Cytogenetic location: 19p13.2.
Variant type: single nucleotide variant.
Coding change: c.4912-161G>A on transcript NM_003072.5 (MANE Select); 161 bases into the intron before coding-DNA position 4912, G replaced by A.
Molecular consequence: intron variant.
Genome position (GRCh38, 1-based): chr19:11,061,623, G>A. VCF-style: chr19-11061623-G-A. GRCh37 (hg19) VCF-style: chr19-11172299-G-A.
Other names: c.4912-161G>A (NM_001128844.3); c.5008-161G>A (NM_001128849.3, NM_001387283.1); c.4813-161G>A (NM_001128847.4, NM_001374457.1); c.4822-161G>A (NM_001128845.2); c.4819-161G>A (NM_001128846.2); c.4810-161G>A (NM_001128848.2).
Identifiers: ClinVar variation 677082 (VCV000677082.1), dbSNP rs11666990, ClinGen allele CA14635588.

ClinVar aggregate classification (germline): Benign (1 of 4 stars; one submission).

Allele frequency attached by ClinVar (database versions not stated): 1000 Genomes Project 0.19030; 1000 Genomes Project 30x 0.19519; TOPMed 0.24304; gnomAD 0.24835 and 0.25066; gnomAD exomes 0.25760.
gnomAD v4.1: 185,641 of 725,590 alleles (26%); highest among the groups gnomAD compares: Non-Finnish European, 29%; 25,421 homozygotes.

Submission:

GeneDx
Classification: Benign. Last evaluated: 2018-06-18. Review status: criteria provided, single submitter. Criteria: GeneDx Variant Classification (06012015). Collection method: clinical testing. Allele origin: germline. Affected: yes.
Comment: This variant is considered likely benign or benign based on one or more of the following criteria: it is a conservative change, it occurs at a poorly conserved position in the protein, it is predicted to be benign by multiple in silico algorithms, and/or has population frequency not consistent with disease.